The following is an entry in ClinVar:

NM_006767.4(LZTR1):c.185A>T (p.Glu62Val)

Gene: LZTR1 (leucine zipper like post translational regulator 1; plus strand). Cytogenetic location: 22q11.21.
Variant type: single nucleotide variant.
Coding change: c.185A>T on transcript NM_006767.4 (MANE Select); coding-DNA position 185, A replaced by T.
Protein change: p.Glu62Val; replaces glutamic acid 62 with valine.
Molecular consequence: missense variant.
Genome position (GRCh38, 1-based): chr22:20,982,556, A>T. VCF-style: chr22-20982556-A-T. GRCh37 (hg19) VCF-style: chr22-21336845-A-T.
Other names: short protein forms E62V.
Identifiers: ClinVar variation 3003995 (VCV003003995.3), dbSNP rs2518608001, ClinGen allele CA410778145.

ClinVar aggregate classification (germline): Uncertain significance (1 of 4 stars; one submission).

Submission:

Labcorp Genetics (formerly Invitae), Labcorp
Classification: Uncertain significance. Last evaluated: 2023-06-24. Review status: criteria provided, single submitter. Criteria: Invitae Variant Classification Sherloc (09022015). Collection method: clinical testing. Allele origin: germline.
Comment: In summary, the available evidence is currently insufficient to determine the role of this variant in disease. Therefore, it has been classified as a Variant of Uncertain Significance. Advanced modeling of protein sequence and biophysical properties (such as structural, functional, and spatial information, amino acid conservation, physicochemical variation, residue mobility, and thermodynamic stability) performed at Invitae indicates that this missense variant is not expected to disrupt LZTR1 protein function. This variant has not been reported in the literature in individuals affected with LZTR1-related conditions. This variant is not present in population databases (gnomAD no frequency). This sequence change replaces glutamic acid, which is acidic and polar, with valine, which is neutral and non-polar, at codon 62 of the LZTR1 protein (p.Glu62Val).